The following is an entry in ClinVar:

ClinVar aggregate classification (germline): Pathogenic (1 of 4 stars; one submission).

Submission:

Labcorp Genetics (formerly Invitae), Labcorp
Classification: Pathogenic. Last evaluated: 2022-10-05. Review status: criteria provided, single submitter. Criteria: Invitae Variant Classification Sherloc (09022015). Collection method: clinical testing. Allele origin: germline.
Comment: For these reasons, this variant has been classified as Pathogenic. This variant has not been reported in the literature in individuals affected with MERTK-related conditions. This variant is a gross deletion of the genomic region encompassing exon(s) 1-4 of the MERTK gene, which includes the initiator codon. This deletion extends beyond the assayed region for this gene and therefore may encompass additional genes. It is expected to result in an absent or disrupted protein product. Loss-of-function variants in MERTK are known to be pathogenic (PMID: 24265693, 29659094).

Literature cited by the submitters: PubMed 24265693; PubMed 29659094.

NC_000002.11:g.(?_112656313)_(112705164_?)del

Gene: MERTK (MER proto-oncogene, tyrosine kinase; plus strand). Cytogenetic location: 2q13.
Variant type: Deletion.
Identifiers: ClinVar variation 2425569 (VCV002425569.4).